The following is an entry in ClinVar:

NM_198576.4(AGRN):c.3003dup (p.Gly1002fs)

Gene: AGRN (agrin; plus strand). Cytogenetic location: 1p36.33.
Variant type: Duplication.
Coding change: c.3003dup on transcript NM_198576.4 (MANE Select); coding-DNA position 3003, one base duplicated (C; older notation c.3003dupC).
Protein change: p.Gly1002fs; shifts the reading frame from glycine 1002.
Molecular consequence: frameshift variant.
Genome position (GRCh38, 1-based): chr1:1,046,488, C duplicated; the last of 8 consecutive C bases (chr1:1,046,481-1,046,488); duplicating any one gives the same sequence. VCF-style (leftmost placement, unchanged base first): chr1-1046480-G-GC. GRCh37 (hg19) VCF-style: chr1-981860-G-GC.
Other names: c.3003dup, p.Gly1002fs (NM_001305275.2); c.2688dup, p.Gly897fs (NM_001364727.2); short protein forms G1002fs, G897fs.
Identifiers: ClinVar variation 956674 (VCV000956674.5), dbSNP rs763573703, ClinGen allele CA508902.

ClinVar aggregate classification (germline): Pathogenic/Likely pathogenic. Review status: criteria provided, multiple submitters, no conflicts (2 of 4 stars). 2 submissions from 2 submitters: Pathogenic (1); Likely pathogenic (1). Last evaluated 2025-05-19.

Conditions:
Congenital myasthenic syndrome 8. Also called: Myasthenic syndrome, congenital, 8, with pre- and postsynaptic defects; MYASTHENIC SYNDROME, CONGENITAL, DUE TO AGRIN DEFICIENCY. Identifiers: Orphanet 590, MedGen C3808739, MONDO:0014052, OMIM 615120.

Submissions (2):

Labcorp Genetics (formerly Invitae), Labcorp
Classification: Pathogenic for Congenital myasthenic syndrome 8. Last evaluated: 2025-05-19. Review status: criteria provided, single submitter. Criteria: Invitae Variant Classification Sherloc (09022015). Collection method: clinical testing. Allele origin: germline.
Comment: This sequence change creates a premature translational stop signal (p.Gly1002Argfs*58) in the AGRN gene. It is expected to result in an absent or disrupted protein product. Loss-of-function variants in AGRN are known to be pathogenic (PMID: 24951643, 31730230, 39807604). The frequency data for this variant in the population databases is considered unreliable, as metrics indicate poor data quality at this position in the gnomAD database. This variant has not been reported in the literature in individuals affected with AGRN-related conditions. ClinVar contains an entry for this variant (Variation ID: 956674). For these reasons, this variant has been classified as Pathogenic.

GeneDx
Classification: Likely pathogenic. Last evaluated: 2025-05-01. Review status: criteria provided, single submitter. Criteria: GeneDx Variant Classification Process June 2021. Collection method: clinical testing. Allele origin: germline. Affected: yes.
Comment: Frameshift variant predicted to result in protein truncation or nonsense mediated decay in a gene for which loss of function is a known mechanism of disease; Has not been previously published as pathogenic or benign to our knowledge

Literature cited by the submitters: PubMed 24951643 (cited by Labcorp Genetics (formerly Invitae), Labcorp); PubMed 31730230 (cited by Labcorp Genetics (formerly Invitae), Labcorp); PubMed 39807604 (cited by Labcorp Genetics (formerly Invitae), Labcorp).